The following is an entry in ClinVar:

NM_001374828.1(ARID1B):c.7030C>T (p.Arg2344Trp)

Gene: ARID1B (AT-rich interaction domain 1B; plus strand). Cytogenetic location: 6q25.3.
Variant type: single nucleotide variant.
Coding change: c.7030C>T on transcript NM_001374828.1 (MANE Select); coding-DNA position 7030, C replaced by T.
Protein change: p.Arg2344Trp; replaces arginine 2344 with tryptophan.
Molecular consequence: missense variant.
Genome position (GRCh38, 1-based): chr6:157,207,802, C>T. VCF-style: chr6-157207802-C-T. GRCh37 (hg19) VCF-style: chr6-157528936-C-T.
Other names: c.6781C>T, p.Arg2261Trp (NM_001346813.1); c.4531C>T, p.Arg1511Trp (NM_001363725.2); c.6910C>T, p.Arg2304Trp (NM_001371656.1, NM_001374820.1); c.6871C>T, p.Arg2291Trp (NM_017519.3); c.6661C>T, p.Arg2221Trp (NM_020732.3); c.6448C>T, p.Arg2150Trp (NM_175863.2); short protein forms R1511W, R2150W, R2221W, R2261W, R2291W, R2304W, R2344W.
Identifiers: ClinVar variation 1805421 (VCV001805421.1), dbSNP rs1390972891, ClinGen allele CA366249600.

ClinVar aggregate classification (germline): Uncertain significance (1 of 4 stars; one submission).

Conditions:
Coffin-Siris syndrome 1 (CSS1). Also called: ARID1B-Related Coffin-Siris Syndrome; Mental retardation, autosomal dominant 12. Identifiers: Orphanet 1465, MedGen C3281201, MONDO:0007617, OMIM 135900. Disease mechanism: gain of function.

Allele frequency attached by ClinVar (database versions not stated): gnomAD exomes below 0.00001.
gnomAD v4.1: 3 of 1,550,486 alleles (0.00019%); highest among the groups gnomAD compares: Non-Finnish European, 0.00026%; no homozygotes.

Submission:

Victorian Clinical Genetics Services, Murdoch Childrens Research Institute
Classification: Uncertain significance for Coffin-Siris syndrome 1. Last evaluated: 2019-08-28. Review status: criteria provided, single submitter. Criteria: ACMG Guidelines, 2015. Collection method: clinical testing. Allele origin: germline. Inheritance: Autosomal dominant inheritance. Affected: yes.
Comment: A heterozygous missense variant was identified, NM_020732.3(ARID1B):c.6661C>T in exon 20 of 20 of the ARID1B gene. This substitution is predicted to create a major amino acid change from arginine to tryptophan at position 2221 of the protein, NP_065783.3(ARID1B):p.(Arg2221Trp). The arginine at this position is conserved in mammals and birds (100 vertebrates, UCSC), but is not situated in a known functional domain. In silico software predicts this variant to be disease causing (Polyphen, SIFT, CADD, Mutation Taster). The variant is not present in the gnomAD population database. An alternative residue change at the same location has been reported in the gnomAD database at a frequency of 0.0010%. The variant has not been previously reported in a clinical testing setting. A different variant in the same codon resulting in a change to glutamine has been reported as a VUS (ClinVar). Based on information available at the time of curation, this variant has been classified as a VARIANT of UNCERTAIN SIGNIFICANCE (VUS).